The following is an entry in ClinVar:

NM_003098.3(SNTA1):c.521C>T (p.Pro174Leu)

Gene: SNTA1 (syntrophin alpha 1; minus strand). Cytogenetic location: 20q11.21.
Variant type: single nucleotide variant.
Coding change: c.521C>T on transcript NM_003098.3 (MANE Select); coding-DNA position 521, C replaced by T.
Protein change: p.Pro174Leu; replaces proline 174 with leucine.
Molecular consequence: missense variant.
Genome position (GRCh38, 1-based): chr20:33,417,899, G>A on the plus strand (C>T on the coding strand, the complement: SNTA1 is on the minus strand). VCF-style: chr20-33417899-G-A. GRCh37 (hg19) VCF-style: chr20-32005705-G-A.
Other names: short protein forms P174L.
Identifiers: ClinVar variation 1746151 (VCV001746151.4), dbSNP rs770142459, ClinGen allele CA9817199.

ClinVar aggregate classification (germline): Uncertain significance. Review status: criteria provided, multiple submitters, no conflicts (2 of 4 stars). 2 submissions from 2 submitters: Uncertain significance (2). Last evaluated 2026-03-31.

Conditions:
Cardiovascular phenotype. Identifiers: MedGen CN230736.

Allele frequency attached by ClinVar (database versions not stated): ExAC 0.00001; gnomAD 0.00001; gnomAD exomes below 0.00001.
gnomAD v4.1: 3 of 1,613,644 alleles (0.00019%); highest among the groups gnomAD compares: East Asian, 0.0022%; no homozygotes.

Submissions (2):

GeneDx
Classification: Uncertain significance. Last evaluated: 2026-03-31. Review status: criteria provided, single submitter. Criteria: GeneDx Variant Classification Process June 2021. Collection method: clinical testing. Allele origin: germline.
Comment: Not observed at significant frequency in large population cohorts (gnomAD); In silico analysis supports that this missense variant has a deleterious effect on protein structure/function; This variant is associated with the following publications: (PMID: 31737537, 38426305)

Ambry Genetics
Classification: Uncertain significance for Cardiovascular phenotype. Last evaluated: 2022-12-23. Review status: criteria provided, single submitter. Criteria: Ambry Variant Classification Scheme 2023. Collection method: clinical testing. Allele origin: germline.
Comment: The p.P174L variant (also known as c.521C>T), located in coding exon 3 of the SNTA1 gene, results from a C to T substitution at nucleotide position 521. The proline at codon 174 is replaced by leucine, an amino acid with similar properties. This amino acid position is highly conserved in available vertebrate species. In addition, the in silico prediction for this alteration is inconclusive. Since supporting evidence is limited at this time, the clinical significance of this alteration remains unclear.